The following is an entry in ClinVar:

NM_004204.5(PIGQ):c.613G>T (p.Ala205Ser)

Gene: PIGQ (phosphatidylinositol glycan anchor biosynthesis class Q; plus strand). Cytogenetic location: 16p13.3.
Variant type: single nucleotide variant.
Coding change: c.613G>T on transcript NM_004204.5 (MANE Select); coding-DNA position 613, G replaced by T.
Protein change: p.Ala205Ser; replaces alanine 205 with serine.
Molecular consequence: missense variant.
Genome position (GRCh38, 1-based): chr16:574,687, G>T. VCF-style: chr16-574687-G-T. GRCh37 (hg19) VCF-style: chr16-624687-G-T.
Other names: c.613G>T (NM_148920.1); c.613G>T, p.Ala205Ser (NM_148920.4); short protein forms A205S.
Identifiers: ClinVar variation 456050 (VCV000456050.10), dbSNP rs1555451827, ClinGen allele CA7779922.

ClinVar aggregate classification (germline): Uncertain significance. Review status: criteria provided, multiple submitters, no conflicts (2 of 4 stars). 2 submissions from 2 submitters: Uncertain significance (2). Last evaluated 2023-07-14.

Conditions:
Epilepsy. Also called: Seizure disorder. Identifiers: MedGen C0014544, MeSH D004827, MONDO:0005027.
Inborn genetic diseases. Identifiers: MedGen C0950123, MeSH D030342.

Allele frequency attached by ClinVar (database versions not stated): gnomAD exomes below 0.00001 and 0.00002; ExAC 0.00001.
gnomAD v4.1: 6 of 1,603,944 alleles (0.00037%); highest among the groups gnomAD compares: Middle Eastern, 0.019%; no homozygotes.

Submissions (2):

Labcorp Genetics (formerly Invitae), Labcorp
Classification: Uncertain significance for Epilepsy. Last evaluated: 2023-07-14. Review status: criteria provided, single submitter. Criteria: Invitae Variant Classification Sherloc (09022015). Collection method: clinical testing. Allele origin: germline.
Comment: This variant has not been reported in the literature in individuals affected with PIGQ-related conditions. In summary, the available evidence is currently insufficient to determine the role of this variant in disease. Therefore, it has been classified as a Variant of Uncertain Significance. An algorithm developed to predict the effect of missense changes on protein structure and function (PolyPhen-2) suggests that this variant is likely to be disruptive. ClinVar contains an entry for this variant (Variation ID: 456050). This variant is present in population databases (no rsID available, gnomAD 0.02%). This sequence change replaces alanine, which is neutral and non-polar, with serine, which is neutral and polar, at codon 205 of the PIGQ protein (p.Ala205Ser).

Ambry Genetics
Classification: Uncertain significance for Inborn genetic diseases. Last evaluated: 2023-05-18. Review status: criteria provided, single submitter. Criteria: Ambry Variant Classification Scheme 2023. Collection method: clinical testing. Allele origin: germline.